The following is an entry in ClinVar:

NM_000179.3(MSH6):c.1490G>T (p.Arg497Ile)

Gene: MSH6 (mutS homolog 6; plus strand). Cytogenetic location: 2p16.3.
Variant type: single nucleotide variant.
Coding change: c.1490G>T on transcript NM_000179.3 (MANE Select); coding-DNA position 1490, G replaced by T.
Protein change: p.Arg497Ile; replaces arginine 497 with isoleucine.
Molecular consequence: missense variant. On other transcripts: non-coding transcript variant (4), intron variant (1).
Genome position (GRCh38, 1-based): chr2:47,799,473, G>T. VCF-style: chr2-47799473-G-T. GRCh37 (hg19) VCF-style: chr2-48026612-G-T.
Other names: c.1100G>T, p.Arg367Ile (NM_001281492.2); c.584G>T, p.Arg195Ile (NM_001281493.2, NM_001281494.2, NM_001406811.1 and 6 more transcripts); c.1586G>T, p.Arg529Ile (NM_001406795.1, NM_001406802.1); c.1490G>T, p.Arg497Ile (NM_001406796.1, NM_001406798.1, NM_001406809.1 and 4 more transcripts); c.1193G>T, p.Arg398Ile (NM_001406797.1, NM_001406818.1, NM_001406830.1 and 10 more transcripts); c.1496G>T, p.Arg499Ile (NM_001406813.1); c.628-1193G>T (NM_001407362.1); c.965G>T, p.Arg322Ile (NM_001406799.1, NM_001406806.1, NM_001406807.1); and 2 more; short protein forms R367I, R195I, R441I, R497I, R529I, R398I, R499I, R322I.
Identifiers: ClinVar variation 4827445 (VCV004827445.1).

ClinVar aggregate classification (germline): Uncertain significance (1 of 4 stars; one submission).

Conditions:
Hereditary cancer-predisposing syndrome. Also called: Neoplastic Syndromes, Hereditary; Tumor predisposition; Hereditary Cancer Syndrome; Hereditary neoplastic syndrome. Identifiers: Orphanet 140162, MedGen C0027672, MeSH D009386, MONDO:0015356.

Submission:

Ambry Genetics
Classification: Uncertain significance for Hereditary cancer-predisposing syndrome. Last evaluated: 2026-02-24. Review status: criteria provided, single submitter. Criteria: Ambry Variant Classification Scheme 2023. Collection method: clinical testing. Allele origin: germline.
Comment: The p.R497I variant (also known as c.1490G>T), located in coding exon 4 of the MSH6 gene, results from a G to T substitution at nucleotide position 1490. The arginine at codon 497 is replaced by isoleucine, an amino acid with similar properties. This amino acid position is conserved. In addition, the in silico prediction for this alteration is inconclusive. Based on the available evidence, the clinical significance of this variant remains unclear.